The following is an entry in ClinVar:

ClinVar aggregate classification (germline): Benign/Likely benign. Review status: criteria provided, multiple submitters, no conflicts (2 of 4 stars). 9 submissions from 9 submitters: Benign (1); Likely benign (8). Last evaluated 2026-05-22.

Conditions:
Classic or attenuated familial adenomatous polyposis. Identifiers: MedGen CN372698, MONDO:0021057.
Hereditary cancer-predisposing syndrome. Also called: Tumor predisposition; Hereditary neoplastic syndrome; Neoplastic Syndromes, Hereditary; Hereditary Cancer Syndrome. Identifiers: Orphanet 140162, MedGen C0027672, MeSH D009386, MONDO:0015356.
Familial adenomatous polyposis 1 (FAP1). Also called: FAMILIAL ADENOMATOUS POLYPOSIS 1, ATTENUATED; POLYPOSIS, ADENOMATOUS INTESTINAL. Identifiers: MedGen C2713442, MONDO:0021056, OMIM 175100. Disease mechanism: loss of function.

Allele frequency attached by ClinVar (database versions not stated): gnomAD 0.00003; TOPMed 0.00002; gnomAD exomes 0.00002 and 0.00001.
gnomAD v4.1: 11 of 1,613,876 alleles (0.00068%); highest among the groups gnomAD compares: Admixed American, 0.0017%; no homozygotes.

Submissions (9):

Women's Health and Genetics/Laboratory Corporation of America, LabCorp
Classification: Likely benign. Last evaluated: 2026-05-22. Review status: criteria provided, single submitter. Criteria: LabCorp Variant Classification Summary - May 2015. Collection method: clinical testing. Allele origin: germline.
Comment: Variant summary: APC c.8010A>G alters a conserved nucleotide resulting in a synonymous change. Consensus agreement among computation tools predict no significant impact on normal splicing. However, these predictions have yet to be confirmed by functional studies. The variant allele was found at a frequency of 1.6e-05 in 251218 control chromosomes. The available data on variant occurrences in the general population are insufficient to allow any conclusion about variant significance. To our knowledge, no occurrence of c.8010A>G in individuals affected with APC-related conditions and no experimental evidence demonstrating its impact on protein function have been reported. ClinVar contains an entry for this variant (Variation ID: 184540). Based on the evidence outlined above, the variant was classified as likely benign.

Labcorp Genetics (formerly Invitae), Labcorp
Classification: Likely benign for Familial adenomatous polyposis 1. Last evaluated: 2025-12-08. Review status: criteria provided, single submitter. Criteria: Invitae Variant Classification Sherloc (09022015). Collection method: clinical testing. Allele origin: germline.

Quest Diagnostics Nichols Institute San Juan Capistrano
Classification: Likely benign. Last evaluated: 2024-12-03. Review status: criteria provided, single submitter. Criteria: Quest Diagnostics criteria. Collection method: clinical testing. Allele origin: unknown.

Myriad Genetics, Inc.
Classification: Benign for Familial adenomatous polyposis 1. Last evaluated: 2024-04-11. Review status: criteria provided, single submitter. Criteria: Myriad Autosomal Dominant, Autosomal Recessive and X-Linked Classification Criteria (2023). Collection method: clinical testing. Allele origin: unknown.
Comment: This variant is considered benign. This variant is a silent/synonymous amino acid change and it is not expected to impact splicing.

ARUP Laboratories, Molecular Genetics and Genomics, ARUP Laboratories
Classification: Likely benign. Last evaluated: 2024-04-03. Review status: criteria provided, single submitter. Criteria: ARUP Molecular Germline Variant Investigation Process 2024. Collection method: clinical testing. Allele origin: germline.

All of Us Research Program, National Institutes of Health
Classification: Likely benign for Classic or attenuated familial adenomatous polyposis. Last evaluated: 2023-09-17. Review status: criteria provided, single submitter. Criteria: ACMG Guidelines, 2015. Collection method: clinical testing. Allele origin: germline. Inheritance: Autosomal dominant inheritance. Observed: 3 variant alleles, 3 heterozygotes.
Comment: This study involves interpretation of variants in research participants for the purpose of population health screening. Participant phenotype was not available at the time of variant classification. Additional details can be found in publication PMID: 35346344, PMCID: PMC8962531

GeneDx
Classification: Likely benign. Last evaluated: 2019-08-13. Review status: criteria provided, single submitter. Criteria: GeneDx Variant Classification Process June 2021. Collection method: clinical testing. Allele origin: germline. Affected: yes.

Color Diagnostics, LLC DBA Color Health
Classification: Likely benign for Hereditary cancer-predisposing syndrome. Last evaluated: 2017-05-16. Review status: criteria provided, single submitter. Criteria: ACMG Guidelines, 2015. Collection method: clinical testing. Allele origin: germline.

Ambry Genetics
Classification: Likely benign for Hereditary cancer-predisposing syndrome. Last evaluated: 2015-09-23. Review status: criteria provided, single submitter. Criteria: Ambry Variant Classification Scheme 2023. Collection method: clinical testing. Allele origin: germline.

NM_000038.6(APC):c.8010A>G (p.Arg2670=)

Gene: APC (APC regulator of Wnt signaling pathway; plus strand). Cytogenetic location: 5q22.2.
Variant type: single nucleotide variant.
Coding change: c.8010A>G on transcript NM_000038.6 (MANE Select); coding-DNA position 8010, A replaced by G.
Protein change: p.Arg2670=; no amino-acid change (arginine 2670 retained).
Molecular consequence: synonymous variant.
Genome position (GRCh38, 1-based): chr5:112,843,604, A>G. VCF-style: chr5-112843604-A-G. GRCh37 (hg19) VCF-style: chr5-112179301-A-G.
Other names: c.8010A>G, p.Arg2670= (NM_001127510.3, NM_001354895.2); c.7956A>G, p.Arg2652= (NM_001127511.3); c.8064A>G, p.Arg2688= (NM_001354896.2); c.8040A>G, p.Arg2680= (NM_001354897.2); c.7935A>G, p.Arg2645= (NM_001354898.2); c.7926A>G, p.Arg2642= (NM_001354899.2); c.7887A>G, p.Arg2629= (NM_001354900.2); c.7833A>G, p.Arg2611= (NM_001354901.2); and 5 more.
Identifiers: ClinVar variation 184540 (VCV000184540.28), dbSNP rs786201524, ClinGen allele CA014245.